The following is an entry in ClinVar:

ClinVar aggregate classification (germline): Uncertain significance (1 of 4 stars; one submission).

Conditions:
Autosomal dominant limb-girdle muscular dystrophy type 1F (LGMDD2). Also called: Limb-girdle muscular dystrophy, type 1F; MUSCULAR DYSTROPHY, LIMB-GIRDLE, AUTOSOMAL DOMINANT 2. Identifiers: Orphanet 55595, MedGen C1842062, MONDO:0012034, OMIM 608423.

gnomAD v4.1: 3 of 1,613,648 alleles (0.00019%); highest among the groups gnomAD compares: Admixed American, 0.0017%; no homozygotes.

Submission:

Labcorp Genetics (formerly Invitae), Labcorp
Classification: Uncertain significance for Autosomal dominant limb-girdle muscular dystrophy type 1F. Last evaluated: 2025-09-06. Review status: criteria provided, single submitter. Criteria: Invitae Variant Classification Sherloc (09022015). Collection method: clinical testing. Allele origin: germline.
Comment: This sequence change replaces proline, which is neutral and non-polar, with serine, which is neutral and polar, at codon 390 of the TNPO3 protein (p.Pro390Ser). This variant is present in population databases (rs770092621, gnomAD 0.004%). This variant has not been reported in the literature in individuals affected with TNPO3-related conditions. Invitae Evidence Modeling of protein sequence and biophysical properties (such as structural, functional, and spatial information, amino acid conservation, physicochemical variation, residue mobility, and thermodynamic stability) indicates that this missense variant is not expected to disrupt TNPO3 protein function with a negative predictive value of 80%. Algorithms developed to predict the effect of sequence changes on RNA splicing suggest that this variant may disrupt the consensus splice site. In summary, the available evidence is currently insufficient to determine the role of this variant in disease. Therefore, it has been classified as a Variant of Uncertain Significance.

NM_012470.4(TNPO3):c.1168C>T (p.Pro390Ser)

Gene: TNPO3 (transportin 3; minus strand). Cytogenetic location: 7q32.1.
Variant type: single nucleotide variant.
Coding change: c.1168C>T on transcript NM_012470.4 (MANE Select); coding-DNA position 1168, C replaced by T.
Protein change: p.Pro390Ser; replaces proline 390 with serine.
Molecular consequence: missense variant. On other transcripts: non-coding transcript variant (18), intron variant (1).
Genome position (GRCh38, 1-based): chr7:128,993,905, G>A on the plus strand (C>T on the coding strand, the complement: TNPO3 is on the minus strand). VCF-style: chr7-128993905-G-A. GRCh37 (hg19) VCF-style: chr7-128633959-G-A.
Other names: c.1249C>T, p.Pro417Ser (NM_001382217.1); c.1168C>T, p.Pro390Ser (NM_001382218.1, NM_001382220.1, NM_001382223.1 and 2 more transcripts); c.1024C>T, p.Pro342Ser (NM_001382221.1); c.1021C>T, p.Pro341Ser (NM_001382222.1); c.1159-1815C>T (NM_001382219.1); short protein forms P342S, P417S, P341S, P390S.
Identifiers: ClinVar variation 4778219 (VCV004778219.1).